The following is an entry in ClinVar:

NM_000170.3(GLDC):c.395C>A (p.Ser132Ter)

Gene: GLDC (glycine decarboxylase; minus strand). Cytogenetic location: 9p24.1.
Variant type: single nucleotide variant.
Coding change: c.395C>A on transcript NM_000170.3 (MANE Select); coding-DNA position 395, C replaced by A.
Protein change: p.Ser132Ter; replaces serine 132 with a stop codon.
Molecular consequence: nonsense.
Genome position (GRCh38, 1-based): chr9:6,620,259, G>T on the plus strand (C>A on the coding strand, the complement: GLDC is on the minus strand). VCF-style: chr9-6620259-G-T. GRCh37 (hg19) VCF-style: chr9-6620259-G-T.
Other names: short protein forms S132*.
Identifiers: ClinVar variation 2870256 (VCV002870256.3), dbSNP rs386833576, ClinGen allele CA188655998.

ClinVar aggregate classification (germline): Pathogenic (1 of 4 stars; one submission).

Conditions:
Glycine encephalopathy. Also called: Nonketotic hyperglycinemia; Non-ketotic hyperglycinemia. Identifiers: Orphanet 407, MedGen C0751748, MONDO:0011612, HP:0008288.

Allele frequency attached by ClinVar (database versions not stated): gnomAD 0.00001.

Submission:

Labcorp Genetics (formerly Invitae), Labcorp
Classification: Pathogenic for Glycine encephalopathy. Last evaluated: 2024-02-17. Review status: criteria provided, single submitter. Criteria: Invitae Variant Classification Sherloc (09022015). Collection method: clinical testing. Allele origin: germline.
Comment: This sequence change creates a premature translational stop signal (p.Ser132*) in the GLDC gene. It is expected to result in an absent or disrupted protein product. Loss-of-function variants in GLDC are known to be pathogenic (PMID: 16601880). This variant is not present in population databases (gnomAD no frequency). This premature translational stop signal has been observed in individual(s) with non-ketotic hyperglycinemia. (PMID: 34587689). For these reasons, this variant has been classified as Pathogenic.

Literature cited by the submitters: PubMed 16601880; PubMed 34587689.